The following is an entry in ClinVar:

NM_152743.4(BRAT1):c.2231A>G (p.Asn744Ser)

Gene: BRAT1 (BRCA1 associated ATM activator 1; minus strand). Cytogenetic location: 7p22.3.
Variant type: single nucleotide variant.
Coding change: c.2231A>G on transcript NM_152743.4 (MANE Select); coding-DNA position 2231, A replaced by G.
Protein change: p.Asn744Ser; replaces asparagine 744 with serine.
Molecular consequence: missense variant. On other transcripts: non-coding transcript variant (1).
Genome position (GRCh38, 1-based): chr7:2,538,304, T>C on the plus strand (A>G on the coding strand, the complement: BRAT1 is on the minus strand). VCF-style: chr7-2538304-T-C. GRCh37 (hg19) VCF-style: chr7-2577938-T-C.
Other names: c.2411A>G, p.Asn804Ser (NM_001350626.2); c.1706A>G, p.Asn569Ser (NM_001350627.2); short protein forms N744S, N569S, N804S.
Identifiers: ClinVar variation 2054846 (VCV002054846.2), dbSNP rs757736829, ClinGen allele CA4127424.

ClinVar aggregate classification (germline): Uncertain significance (1 of 4 stars; one submission).

Conditions:
Neonatal-onset encephalopathy with rigidity and seizures. Also called: Lethal neonatal spasticity-epileptic encephalopathy syndrome. Identifiers: Orphanet 435845, MedGen C3281029, MONDO:0013784, OMIM 614498.

Allele frequency attached by ClinVar (database versions not stated): TOPMed below 0.00001; gnomAD exomes 0.00001; ExAC 0.00002.

Submission:

Labcorp Genetics (formerly Invitae), Labcorp
Classification: Uncertain significance for Neonatal-onset encephalopathy with rigidity and seizures. Last evaluated: 2022-11-08. Review status: criteria provided, single submitter. Criteria: Invitae Variant Classification Sherloc (09022015). Collection method: clinical testing. Allele origin: germline.
Comment: In summary, the available evidence is currently insufficient to determine the role of this variant in disease. Therefore, it has been classified as a Variant of Uncertain Significance. Advanced modeling of protein sequence and biophysical properties (such as structural, functional, and spatial information, amino acid conservation, physicochemical variation, residue mobility, and thermodynamic stability) performed at Invitae indicates that this missense variant is not expected to disrupt BRAT1 protein function. This variant has not been reported in the literature in individuals affected with BRAT1-related conditions. This variant is present in population databases (rs757736829, gnomAD 0.01%). This sequence change replaces asparagine, which is neutral and polar, with serine, which is neutral and polar, at codon 744 of the BRAT1 protein (p.Asn744Ser).